The following is an entry in ClinVar:

NM_000046.5(ARSB):c.1090C>T (p.His364Tyr)

Gene: ARSB (arylsulfatase B; minus strand). Cytogenetic location: 5q14.1.
Variant type: single nucleotide variant.
Coding change: c.1090C>T on transcript NM_000046.5 (MANE Select); coding-DNA position 1090, C replaced by T.
Protein change: p.His364Tyr; replaces histidine 364 with tyrosine.
Molecular consequence: missense variant.
Genome position (GRCh38, 1-based): chr5:78,885,636, G>A on the plus strand (C>T on the coding strand, the complement: ARSB is on the minus strand). VCF-style: chr5-78885636-G-A. GRCh37 (hg19) VCF-style: chr5-78181459-G-A.
Other names: c.1090C>T, p.His364Tyr (NM_198709.3); short protein forms H364Y.
Identifiers: ClinVar variation 1021553 (VCV001021553.9), dbSNP rs1457848169, ClinGen allele CA360342804.
Genomic context (GRCh38, chr5:78,885,636, plus strand): 5'-GTAGGTACCTGATGGTTTTCCACACGTCGAAGCCATCCAGAGGCTTTGTGCCATTGGTGT[G>A]TCCCCTGGCCAGCTTCACGAGTGTTGGCAGCCAGTCAGAGATGTGGATGAGCTCCCGGTT-3'
Protein context (NP_000037.2, residues 354-374): LPTLVKLARG[His364Tyr]TNGTKPLDGF

ClinVar aggregate classification (germline): Uncertain significance (1 of 4 stars; one submission).

Conditions:
Mucopolysaccharidosis type 6 (MPS6). Also called: MPS 6; Maroteaux Lamy syndrome; N-ACETYLGALACTOSAMINE-4-SULFATASE DEFICIENCY; ARSB DEFICIENCY; MPS VI; ARYLSULFATASE B DEFICIENCY. Identifiers: Orphanet 583, MedGen C0026709, MONDO:0009661, OMIM 253200.

Allele frequency attached by ClinVar (database versions not stated): gnomAD exomes below 0.00001.
gnomAD v4.1: 3 of 1,614,092 alleles (0.00019%); highest among the groups gnomAD compares: Admixed American, 0.0033%; no homozygotes.

Submission:

Labcorp Genetics (formerly Invitae), Labcorp
Classification: Uncertain significance for Mucopolysaccharidosis type 6. Last evaluated: 2024-12-09. Review status: criteria provided, single submitter. Criteria: Invitae Variant Classification Sherloc (09022015). Collection method: clinical testing. Allele origin: germline.
Comment: This sequence change replaces histidine, which is basic and polar, with tyrosine, which is neutral and polar, at codon 364 of the ARSB protein (p.His364Tyr). This variant is present in population databases (no rsID available, gnomAD 0.006%). This variant has not been reported in the literature in individuals affected with ARSB-related conditions. ClinVar contains an entry for this variant (Variation ID: 1021553). Invitae Evidence Modeling of protein sequence and biophysical properties (such as structural, functional, and spatial information, amino acid conservation, physicochemical variation, residue mobility, and thermodynamic stability) has been performed for this missense variant. However, the output from this modeling did not meet the statistical confidence thresholds required to predict the impact of this variant on ARSB protein function. In summary, the available evidence is currently insufficient to determine the role of this variant in disease. Therefore, it has been classified as a Variant of Uncertain Significance.